The following is an entry in ClinVar:

NM_004830.4(MED23):c.597+1G>T

Gene: MED23 (mediator complex subunit 23; minus strand). Cytogenetic location: 6q23.2.
Variant type: single nucleotide variant.
Coding change: c.597+1G>T on transcript NM_004830.4 (MANE Select); the canonical splice donor site of the intron after coding-DNA position 597, G replaced by T.
Molecular consequence: splice donor variant.
Genome position (GRCh38, 1-based): chr6:131,620,627, C>A on the plus strand (G>T on the coding strand, the complement: MED23 is on the minus strand). VCF-style: chr6-131620627-C-A. GRCh37 (hg19) VCF-style: chr6-131941767-C-A.
Other names: c.525+1G>T (NM_001376518.1); c.597+1G>T (NM_001376523.1, NM_001376524.1, NM_001376522.1 and 7 more transcripts).
Identifiers: ClinVar variation 423225 (VCV000423225.3), dbSNP rs1064796306, ClinGen allele CA16618245.

ClinVar aggregate classification (germline): Pathogenic (1 of 4 stars; one submission).

Submission:

GeneDx
Classification: Pathogenic. Last evaluated: 2021-03-01. Review status: criteria provided, single submitter. Criteria: GeneDx Variant Classification Process June 2021. Collection method: clinical testing. Allele origin: germline. Affected: yes.
Comment: Canonical splice site variant expected to result in aberrant splicing, although in the absence of functional evidence the actual effect of this sequence change is unknown.; Not observed in large population cohorts (Lek et al., 2016); Has not been previously published as pathogenic or benign to our knowledge